The following is an entry in ClinVar:

NM_003835.4(RGS9):c.1718C>T (p.Pro573Leu)

Gene: RGS9 (regulator of G protein signaling 9; plus strand). Cytogenetic location: 17q24.1.
Variant type: single nucleotide variant.
Coding change: c.1718C>T on transcript NM_003835.4 (MANE Select); coding-DNA position 1718, C replaced by T.
Protein change: p.Pro573Leu; replaces proline 573 with leucine.
Molecular consequence: missense variant.
Genome position (GRCh38, 1-based): chr17:65,225,312, C>T. VCF-style: chr17-65225312-C-T. GRCh37 (hg19) VCF-style: chr17-63221430-C-T.
Other names: c.1709C>T, p.Pro570Leu (NM_001081955.3); c.1718C>T (NM_003835.3); short protein forms P570L, P573L.
Identifiers: ClinVar variation 1020459 (VCV001020459.8), dbSNP rs376241085, ClinGen allele CA8718136.

ClinVar aggregate classification (germline): Uncertain significance. Review status: criteria provided, multiple submitters, no conflicts (2 of 4 stars). 3 submissions from 3 submitters: Uncertain significance (3). Last evaluated 2025-05-29.

Conditions:
Inborn genetic diseases. Identifiers: MedGen C0950123, MeSH D030342.

Allele frequency attached by ClinVar (database versions not stated): ExAC 0.00003; gnomAD exomes 0.00003; TOPMed 0.00004; gnomAD 0.00005; ESP Exome Variant Server 0.00008.
gnomAD v4.1: 52 of 1,610,124 alleles (0.0032%); highest among the groups gnomAD compares: East Asian, 0.0045%; no homozygotes.

Submissions (3):

Labcorp Genetics (formerly Invitae), Labcorp
Classification: Uncertain significance. Last evaluated: 2025-05-29. Review status: criteria provided, single submitter. Criteria: Invitae Variant Classification Sherloc (09022015). Collection method: clinical testing. Allele origin: germline.
Comment: This sequence change replaces proline, which is neutral and non-polar, with leucine, which is neutral and non-polar, at codon 573 of the RGS9 protein (p.Pro573Leu). This variant is present in population databases (rs376241085, gnomAD 0.006%). This variant has not been reported in the literature in individuals affected with RGS9-related conditions. ClinVar contains an entry for this variant (Variation ID: 1020459). An algorithm developed to predict the effect of missense changes on protein structure and function (PolyPhen-2) suggests that this variant is likely to be tolerated. In summary, the available evidence is currently insufficient to determine the role of this variant in disease. Therefore, it has been classified as a Variant of Uncertain Significance.

Blueprint Genetics
Classification: Uncertain significance. Last evaluated: 2024-11-20. Review status: criteria provided, single submitter. Criteria: ACMG Guidelines, 2015. Collection method: clinical testing. Allele origin: germline.

Ambry Genetics
Classification: Uncertain significance for Inborn genetic diseases. Last evaluated: 2024-08-20. Review status: criteria provided, single submitter. Criteria: Ambry Variant Classification Scheme 2023. Collection method: clinical testing. Allele origin: germline.